The following is an entry in ClinVar:

ClinVar aggregate classification (germline): Uncertain significance (1 of 4 stars; one submission).

Conditions:
PIEZO1-related disorder. Also called: PIEZO1-related condition; PIEZO1-Related Disorders.

gnomAD v4.1: 1 of 1,549,378 alleles (0.000065%); highest among the groups gnomAD compares: Non-Finnish European, 0.000087%; no homozygotes.

Submission:

PreventionGenetics, part of Exact Sciences
Classification: Uncertain significance for PIEZO1-related condition. Last evaluated: 2026-04-24. Review status: criteria provided, single submitter. Criteria: ACMG Guidelines, 2015. Collection method: clinical testing. Allele origin: germline.
Comment: The PIEZO1 c.4579C>A variant is predicted to result in the amino acid substitution p.Arg1527Ser. To our knowledge, this variant has not been reported in the literature or in a large population database, indicating this variant is rare. At this time, the clinical significance of this variant is uncertain due to the absence of conclusive functional and genetic evidence.

NM_001142864.4(PIEZO1):c.4579C>A (p.Arg1527Ser)

Gene: PIEZO1 (piezo type mechanosensitive ion channel component 1 (Er blood group); minus strand). Cytogenetic location: 16q24.3.
Variant type: single nucleotide variant.
Coding change: c.4579C>A on transcript NM_001142864.4 (MANE Select); coding-DNA position 4579, C replaced by A.
Protein change: p.Arg1527Ser; replaces arginine 1527 with serine.
Molecular consequence: missense variant.
Genome position (GRCh38, 1-based): chr16:88,722,926, G>T on the plus strand (C>A on the coding strand, the complement: PIEZO1 is on the minus strand). VCF-style: chr16-88722926-G-T. GRCh37 (hg19) VCF-style: chr16-88789334-G-T.
Other names: short protein forms R1527S.
Identifiers: ClinVar variation 4987892 (VCV004987892.1).